The following is an entry in ClinVar:

ClinVar aggregate classification (germline): Uncertain significance. Review status: criteria provided, multiple submitters, no conflicts (2 of 4 stars). 2 submissions from 2 submitters: Uncertain significance (2). Last evaluated 2025-08-09.

Conditions:
Glycogen storage disease type III (GSD3). Also called: Cori disease; FORBES DISEASE. Identifiers: Orphanet 366, MedGen C0017922, MONDO:0009291, OMIM 232400.
Inborn genetic diseases. Identifiers: MedGen C0950123, MeSH D030342.

Allele frequency attached by ClinVar (database versions not stated): TOPMed below 0.00001; gnomAD 0.00001; gnomAD exomes 0.00001.
gnomAD v4.1: 10 of 1,612,416 alleles (0.00062%); highest among the groups gnomAD compares: Non-Finnish European, 0.00076%; no homozygotes.

Submissions (2):

Ambry Genetics
Classification: Uncertain significance for Inborn genetic diseases. Last evaluated: 2025-08-09. Review status: criteria provided, single submitter. Criteria: Ambry Variant Classification Scheme 2023. Collection method: clinical testing. Allele origin: germline.

Labcorp Genetics (formerly Invitae), Labcorp
Classification: Uncertain significance for Glycogen storage disease type III. Last evaluated: 2022-07-11. Review status: criteria provided, single submitter. Criteria: Invitae Variant Classification Sherloc (09022015). Collection method: clinical testing. Allele origin: germline.
Comment: This sequence change replaces aspartic acid, which is acidic and polar, with asparagine, which is neutral and polar, at codon 1433 of the AGL protein (p.Asp1433Asn). This variant is not present in population databases (gnomAD no frequency). This variant has not been reported in the literature in individuals affected with AGL-related conditions. Algorithms developed to predict the effect of missense changes on protein structure and function are either unavailable or do not agree on the potential impact of this missense change (SIFT: "Deleterious"; PolyPhen-2: "Probably Damaging"; Align-GVGD: "Class C15"). In summary, the available evidence is currently insufficient to determine the role of this variant in disease. Therefore, it has been classified as a Variant of Uncertain Significance.

NM_000642.3(AGL):c.4297G>A (p.Asp1433Asn)

Gene: AGL (amylo-alpha-1,6-glucosidase and 4-alpha-glucanotransferase; plus strand). Cytogenetic location: 1p21.2.
Variant type: single nucleotide variant.
Coding change: c.4297G>A on transcript NM_000642.3 (MANE Select); coding-DNA position 4297, G replaced by A.
Protein change: p.Asp1433Asn; replaces aspartic acid 1433 with asparagine.
Molecular consequence: missense variant.
Genome position (GRCh38, 1-based): chr1:99,916,447, G>A. VCF-style: chr1-99916447-G-A. GRCh37 (hg19) VCF-style: chr1-100382003-G-A.
Other names: c.4297G>A, p.Asp1433Asn (NM_000028.3, NM_000643.3, NM_000644.3 and 1 more transcripts); c.4249G>A, p.Asp1417Asn (NM_000646.3); c.4276G>A, p.Asp1426Asn (NM_001425326.1); c.4096G>A, p.Asp1366Asn (NM_001425327.1); c.4093G>A, p.Asp1365Asn (NM_001425328.1); c.3958G>A, p.Asp1320Asn (NM_001425329.1); c.3919G>A, p.Asp1307Asn (NM_001425332.1); c.4297G>A (NM_000642.2); short protein forms D1417N, D1433N, D1307N, D1320N, D1365N, D1366N, D1426N.
Identifiers: ClinVar variation 1902037 (VCV001902037.3), dbSNP rs1027947011, ClinGen allele CA27559992.